The following is an entry in ClinVar:

ClinVar aggregate classification (germline): Pathogenic (1 of 4 stars; one submission).

Conditions:
Cohen-Gibson syndrome (COGIS). Also called: EED-Related Overgrowth. Identifiers: Orphanet 659396, MedGen C4479654, MONDO:0060510, OMIM 617561.

Submission:

Labcorp Genetics (formerly Invitae), Labcorp
Classification: Pathogenic for Cohen-Gibson syndrome. Last evaluated: 2023-06-21. Review status: criteria provided, single submitter. Criteria: Invitae Variant Classification Sherloc (09022015). Collection method: clinical testing. Allele origin: germline.
Comment: This sequence change replaces tyrosine, which is neutral and polar, with cysteine, which is neutral and slightly polar, at codon 308 of the EED protein (p.Tyr308Cys). This variant is not present in population databases (gnomAD no frequency). This missense change has been observed in individual(s) with clinical features consistent with Weaver-like overgrowth (Invitae). In at least one individual the variant was observed to be de novo. Advanced modeling of protein sequence and biophysical properties (such as structural, functional, and spatial information, amino acid conservation, physicochemical variation, residue mobility, and thermodynamic stability) performed at Invitae indicates that this missense variant is expected to disrupt EED protein function. For these reasons, this variant has been classified as Pathogenic.

NM_003797.5(EED):c.923A>G (p.Tyr308Cys)

Gene: EED (embryonic ectoderm development; plus strand). Cytogenetic location: 11q14.2.
Variant type: single nucleotide variant.
Coding change: c.923A>G on transcript NM_003797.5 (MANE Select); coding-DNA position 923, A replaced by G.
Protein change: p.Tyr308Cys; replaces tyrosine 308 with cysteine.
Molecular consequence: missense variant. On other transcripts: intron variant (1).
Genome position (GRCh38, 1-based): chr11:86,268,518, A>G. VCF-style: chr11-86268518-A-G. GRCh37 (hg19) VCF-style: chr11-85979560-A-G.
Other names: c.923A>G, p.Tyr308Cys (NM_001308007.2); c.726+4255A>G (NM_001330334.2); short protein forms Y308C.
Identifiers: ClinVar variation 2848299 (VCV002848299.3), dbSNP rs2495876442, ClinGen allele CA382005074.